The following is an entry in ClinVar:

ClinVar aggregate classification (germline): Uncertain significance (1 of 4 stars; one submission).

Submission:

Ambry Genetics
Classification: Uncertain significance. Last evaluated: 2024-03-10. Review status: criteria provided, single submitter. Criteria: Ambry Variant Classification Scheme 2023. Collection method: clinical testing. Allele origin: germline.
Comment: The p.L792P variant (also known as c.2375T>C), located in coding exon 1 of the MLH3 gene, results from a T to C substitution at nucleotide position 2375. The leucine at codon 792 is replaced by proline, an amino acid with similar properties. This amino acid position is conserved. In addition, this alteration is predicted to be tolerated by in silico analysis. Based on the available evidence, the clinical significance of this alteration remains unclear.

NM_001040108.2(MLH3):c.2375T>C (p.Leu792Pro)

Gene: MLH3 (mutL homolog 3; minus strand). Cytogenetic location: 14q24.3.
Variant type: single nucleotide variant.
Coding change: c.2375T>C on transcript NM_001040108.2 (MANE Select); coding-DNA position 2375, T replaced by C.
Protein change: p.Leu792Pro; replaces leucine 792 with proline.
Molecular consequence: missense variant.
Genome position (GRCh38, 1-based): chr14:75,047,281, A>G on the plus strand (T>C on the coding strand, the complement: MLH3 is on the minus strand). VCF-style: chr14-75047281-A-G. GRCh37 (hg19) VCF-style: chr14-75513984-A-G.
Other names: c.2375T>C, p.Leu792Pro (NM_014381.3); short protein forms L792P.
Identifiers: ClinVar variation 3232482 (VCV003232482.1), dbSNP rs1892308244, ClinGen allele CA390440836.